The following is an entry in ClinVar:

NM_014363.6(SACS):c.11185C>T (p.Gln3729Ter)

Gene: SACS (sacsin molecular chaperone; minus strand). Cytogenetic location: 13q12.12.
Variant type: single nucleotide variant.
Coding change: c.11185C>T on transcript NM_014363.6 (MANE Select); coding-DNA position 11185, C replaced by T.
Protein change: p.Gln3729Ter; replaces glutamine 3729 with a stop codon.
Molecular consequence: nonsense.
Genome position (GRCh38, 1-based): chr13:23,332,691, G>A on the plus strand (C>T on the coding strand, the complement: SACS is on the minus strand). VCF-style: chr13-23332691-G-A. GRCh37 (hg19) VCF-style: chr13-23906830-G-A.
Other names: c.10744C>T, p.Gln3582Ter (NM_001278055.2); c.11185C>T (NM_014363.5); short protein forms Q3729*, Q3582*.
Identifiers: ClinVar variation 370320 (VCV000370320.4), dbSNP rs1057516398, ClinGen allele CA16041602.
Genomic context (GRCh38, chr13:23,332,691, plus strand): 5'-TTACCTTATCAAGAGGAGGATCCAGGTTAACATTAAGCATATTTAAAACTTGTTCAAGCT[G>A]TTCTTGTGGACCAAGGTCACTACCTTCTTGTTCTTTAATGCTTAAGGGTGTAGCTTTCTC-3'

ClinVar aggregate classification (germline): Likely pathogenic. Review status: criteria provided, single submitter (1 of 4 stars). 2 submissions from 2 submitters: Likely pathogenic (1). 1 of the submissions does not count toward it. Last evaluated 2022-01-01.

Conditions:
Charlevoix-Saguenay spastic ataxia (SACS). Also called: AUTOSOMAL RECESSIVE SPASTIC ATAXIA OF CHARLEVOIX-SAGUENAY; SPASTIC ATAXIA 6, AUTOSOMAL RECESSIVE; Spastic ataxia of Charlevoix-Saguenay. Identifiers: Orphanet 98, MedGen C1849140, MONDO:0010041, OMIM 270550.

Submissions (2):

PROSPAX: an integrated multimodal progression  chart in spastic ataxias, Center for Neurology; Hertie-Institute for Clinical Brain Research
Classification: Likely pathogenic for Charlevoix-Saguenay spastic ataxia. Last evaluated: 2022-01-01. Review status: criteria provided, single submitter. Criteria: ACMG Guidelines, 2015. Collection method: research. Allele origin: germline. Affected: yes.
Comment: Variant seen in compound het: [c.10954C>A;c.11185C>T;c.10907G>A]

Counsyl
Classification: Likely pathogenic for Charlevoix-Saguenay spastic ataxia. Last evaluated: 2016-01-11. Review status: no assertion criteria provided. Collection method: clinical testing. Allele origin: unknown. Not counted in ClinVar's aggregate classification.

Literature cited by the submitters: PubMed 18604465 (cited by Counsyl).